The following is an entry in ClinVar:

NM_020366.4(RPGRIP1):c.2969G>A (p.Gly990Glu)

Gene: RPGRIP1 (RPGR interacting protein 1; plus strand). Cytogenetic location: 14q11.2.
Variant type: single nucleotide variant.
Coding change: c.2969G>A on transcript NM_020366.4 (MANE Select); coding-DNA position 2969, G replaced by A.
Protein change: p.Gly990Glu; replaces glycine 990 with glutamic acid.
Molecular consequence: missense variant.
Genome position (GRCh38, 1-based): chr14:21,328,497, G>A. VCF-style: chr14-21328497-G-A. GRCh37 (hg19) VCF-style: chr14-21796656-G-A.
Other names: c.947G>A, p.Gly316Glu (NM_001377523.1, NM_001377950.1); c.1895G>A, p.Gly632Glu (NM_001377948.1); c.1055G>A, p.Gly352Glu (NM_001377949.1); c.449G>A, p.Gly150Glu (NM_001377951.1); short protein forms G150E, G352E, G316E, G632E, G990E.
Identifiers: ClinVar variation 2090338 (VCV002090338.1), dbSNP rs759678050, ClinGen allele CA7089388.

ClinVar aggregate classification (germline): Uncertain significance (1 of 4 stars; one submission).

Conditions:
Leber congenital amaurosis 6 (LCA6). Identifiers: Orphanet 65, MedGen C1854260, MONDO:0013446, OMIM 613826.
Cone-rod dystrophy 13 (CORD13). Identifiers: Orphanet 1872, MedGen C2750720, MONDO:0011987, OMIM 608194.

Allele frequency attached by ClinVar (database versions not stated): ExAC 0.00001; gnomAD 0.00001; TOPMed 0.00001.
gnomAD v4.1: 3 of 1,613,698 alleles (0.00019%); highest among the groups gnomAD compares: African/African-American, 0.0027%; no homozygotes.

Submission:

Labcorp Genetics (formerly Invitae), Labcorp
Classification: Uncertain significance for Leber congenital amaurosis 6; Cone-rod dystrophy 13. Last evaluated: 2022-06-08. Review status: criteria provided, single submitter. Criteria: Invitae Variant Classification Sherloc (09022015). Collection method: clinical testing. Allele origin: germline.
Comment: This sequence change replaces glycine, which is neutral and non-polar, with glutamic acid, which is acidic and polar, at codon 990 of the RPGRIP1 protein (p.Gly990Glu). This variant is present in population databases (rs759678050, gnomAD 0.008%). This variant has not been reported in the literature in individuals affected with RPGRIP1-related conditions. Algorithms developed to predict the effect of missense changes on protein structure and function (SIFT, PolyPhen-2, Align-GVGD) all suggest that this variant is likely to be tolerated. In summary, the available evidence is currently insufficient to determine the role of this variant in disease. Therefore, it has been classified as a Variant of Uncertain Significance.